The following is an entry in ClinVar:

NM_001020658.2(PUM1):c.3282G>A (p.Thr1094=)

Gene: PUM1 (pumilio RNA binding family member 1; minus strand). Cytogenetic location: 1p35.2.
Variant type: single nucleotide variant.
Coding change: c.3282G>A on transcript NM_001020658.2 (MANE Select); coding-DNA position 3282, G replaced by A.
Protein change: p.Thr1094=; no amino-acid change (threonine 1094 retained).
Molecular consequence: synonymous variant.
Genome position (GRCh38, 1-based): chr1:30,936,796, C>T on the plus strand (G>A on the coding strand, the complement: PUM1 is on the minus strand). VCF-style: chr1-30936796-C-T. GRCh37 (hg19) VCF-style: chr1-31409643-C-T.
Other names: c.3276G>A, p.Thr1092= (NM_014676.3).
Identifiers: ClinVar variation 3054980 (VCV003054980.2), dbSNP rs150518018, ClinGen allele CA728732.

ClinVar aggregate classification (germline): Likely benign (0 of 4 stars; one submission).

Conditions:
PUM1-related disorder. Also called: PUM1-related disorders; PUM1-related condition.

Allele frequency attached by ClinVar (database versions not stated): gnomAD exomes 0.00003; 1000 Genomes Project 30x 0.00016; ExAC 0.00016; 1000 Genomes Project 0.00020; ESP Exome Variant Server 0.00023; gnomAD 0.00023; TOPMed 0.00026.
gnomAD v4.1: 75 of 1,613,714 alleles (0.0046%); highest among the groups gnomAD compares: African/African-American, 0.075%; no homozygotes.

Submission:

PreventionGenetics, part of Exact Sciences
Classification: Likely benign for PUM1-related condition. Last evaluated: 2022-04-13. Review status: no assertion criteria provided. Collection method: clinical testing. Allele origin: germline.
Comment: This variant is classified as likely benign based on ACMG/AMP sequence variant interpretation guidelines (Richards et al. 2015 PMID: 25741868, with internal and published modifications).